The following is an entry in ClinVar:

ClinVar aggregate classification (germline): Uncertain significance (1 of 4 stars; one submission).

Allele frequency attached by ClinVar (database versions not stated): gnomAD exomes below 0.00001.
gnomAD v4.1: 1 of 1,612,938 alleles (0.000062%); highest among the groups gnomAD compares: Non-Finnish European, 0.000085%; no homozygotes.

Submission:

GeneDx
Classification: Uncertain significance. Last evaluated: 2022-07-14. Review status: criteria provided, single submitter. Criteria: GeneDx Variant Classification Process June 2021. Collection method: clinical testing. Allele origin: germline. Affected: yes.
Comment: Not observed at significant frequency in large population cohorts (gnomAD); In silico analysis supports that this missense variant has a deleterious effect on protein structure/function; Has not been previously published as pathogenic or benign to our knowledge

NM_017617.5(NOTCH1):c.2323T>C (p.Tyr775His)

Gene: NOTCH1 (notch receptor 1; minus strand). Cytogenetic location: 9q34.3.
Variant type: single nucleotide variant.
Coding change: c.2323T>C on transcript NM_017617.5 (MANE Select); coding-DNA position 2323, T replaced by C.
Protein change: p.Tyr775His; replaces tyrosine 775 with histidine.
Molecular consequence: missense variant.
Genome position (GRCh38, 1-based): chr9:136,513,422, A>G on the plus strand (T>C on the coding strand, the complement: NOTCH1 is on the minus strand). VCF-style: chr9-136513422-A-G. GRCh37 (hg19) VCF-style: chr9-139407874-A-G.
Other names: short protein forms Y775H.
Identifiers: ClinVar variation 1878819 (VCV001878819.1), dbSNP rs2540452861, ClinGen allele CA375556954.
Genomic context (GRCh38, chr9:136,513,422, plus strand): 5'-TCTGCACTGAGAAACGCGCAGCCCACTCACCGCTGAAGCCCTCCCGGCAGGTGCACACGT[A>G]GCCACTGGTCATGTCTTTGCAGGTGCCGCCGTTGACACAAGGGTTGGATTCACACTCATT-3'
Protein context (NP_060087.3, residues 765-785): GGTCKDMTSG[Tyr775His]VCTCREGFSG